The following is an entry in ClinVar:

ClinVar aggregate classification (germline): Uncertain significance (1 of 4 stars; one submission).

Conditions:
Duchenne muscular dystrophy (DMD). Also called: Duchenne Muscular Dystrophy (DMD); MUSCULAR DYSTROPHY, PSEUDOHYPERTROPHIC PROGRESSIVE, DUCHENNE TYPE. Identifiers: Orphanet 98896, MedGen C0013264, MONDO:0010679, OMIM 310200.

Submission:

Labcorp Genetics (formerly Invitae), Labcorp
Classification: Uncertain significance for Duchenne muscular dystrophy. Last evaluated: 2025-03-11. Review status: criteria provided, single submitter. Criteria: Invitae Variant Classification Sherloc (09022015). Collection method: clinical testing. Allele origin: germline.
Comment: This sequence change replaces leucine, which is neutral and non-polar, with histidine, which is basic and polar, at codon 2300 of the DMD protein (p.Leu2300His). This variant is not present in population databases (gnomAD no frequency). This variant has not been reported in the literature in individuals affected with DMD-related conditions. Invitae Evidence Modeling of protein sequence and biophysical properties (such as structural, functional, and spatial information, amino acid conservation, physicochemical variation, residue mobility, and thermodynamic stability) indicates that this missense variant is not expected to disrupt DMD protein function with a negative predictive value of 95%. In summary, the available evidence is currently insufficient to determine the role of this variant in disease. Therefore, it has been classified as a Variant of Uncertain Significance.

NM_004006.3(DMD):c.6899T>A (p.Leu2300His)

Gene: DMD (dystrophin; minus strand). Cytogenetic location: Xp21.1.
Variant type: single nucleotide variant.
Coding change: c.6899T>A on transcript NM_004006.3 (MANE Select); coding-DNA position 6899, T replaced by A.
Protein change: p.Leu2300His; replaces leucine 2300 with histidine.
Molecular consequence: missense variant. On other transcripts: 5 prime UTR variant (5).
Genome position (GRCh38, 1-based): chrX:31,929,609, A>T on the plus strand (T>A on the coding strand, the complement: DMD is on the minus strand). VCF-style: chrX-31929609-A-T. GRCh37 (hg19) VCF-style: chrX-31947726-A-T.
Other names: c.6875T>A, p.Leu2292His (NM_000109.4); c.6887T>A, p.Leu2296His (NM_004009.3); c.6530T>A, p.Leu2177His (NM_004010.3); c.2876T>A, p.Leu959His (NM_004011.4); c.2867T>A, p.Leu956His (NM_004012.4); c.-482T>A (NM_004013.3, NM_004020.4, NM_004021.3 and 2 more transcripts); short protein forms L2177H, L2292H, L2296H, L2300H, L956H, L959H.
Identifiers: ClinVar variation 4800951 (VCV004800951.1).
Genomic context (GRCh38, chrX:31,929,609, plus strand): 5'-CTTGCAACATTTAACACATGTGACGGAAGAGATGGTTAATGTCTAACCTTTATCCACTGG[A>T]GATTTGTCTGCTTGAGCTTATTTTCAAGTTTATCTTGCTCTTCTGGGCTTATGGGAGCAC-3'
Protein context (NP_003997.2, residues 2290-2310): KLENKLKQTN[Leu2300His]QWIKVSRALP